The following is an entry in ClinVar:

ClinVar aggregate classification (germline): Uncertain significance (1 of 4 stars; one submission).

Conditions:
Long QT syndrome (LQTS). Identifiers: MedGen C0023976, MeSH D008133, MONDO:0002442. Disease mechanism: loss of function. Inheritance: Various modes of inheritance.

Submission:

Labcorp Genetics (formerly Invitae), Labcorp
Classification: Uncertain significance for Long QT syndrome. Last evaluated: 2026-01-07. Review status: criteria provided, single submitter. Criteria: Invitae Variant Classification Sherloc (09022015). Collection method: clinical testing. Allele origin: germline.
Comment: This variant, c.6217_6219del, results in the deletion of 1 amino acid(s) of the CACNA1C protein (p.Glu2073del), but otherwise preserves the integrity of the reading frame. This variant is present in population databases (no rsID available, gnomAD 0.008%). This variant has not been reported in the literature in individuals affected with CACNA1C-related conditions. Experimental studies and prediction algorithms are not available or were not evaluated, and the functional significance of this variant is currently unknown. In summary, the available evidence is currently insufficient to determine the role of this variant in disease. Therefore, it has been classified as a Variant of Uncertain Significance.

NM_000719.7(CACNA1C):c.6214GAG[1] (p.Glu2073del)

Genes: CACNA1C (calcium voltage-gated channel subunit alpha1 C; plus strand), CACNA1C-AS1 (CACNA1C antisense RNA 1; minus strand). Cytogenetic location: 12p13.33.
Variant type: Microsatellite.
Coding change: c.6214GAG[1] on transcript NM_000719.7 (MANE Select); one copy of the 3-base unit GAG starting at c.6214; the reference has two copies in a row; one copy, 3 bases deleted.
Protein change: p.Glu2073del; deletes glutamic acid 2073.
Molecular consequence: inframe deletion.
Genome position (GRCh38, 1-based): chr12:2,690,999-2,691,001, GAG deleted; deleting any 3 consecutive bases within chr12:2,690,996-2,691,001 gives the same sequence; the position shown is the placement nearest the transcript's 3' end. VCF-style (leftmost placement, unchanged base first): chr12-2690995-AGAG-A. GRCh37 (hg19) VCF-style: chr12-2800161-AGAG-A.
Other names: c.6358GAG[1], p.Glu2121del (NM_001129827.2); c.6337GAG[1], p.Glu2114del (NM_001129829.2); c.6319GAG[1], p.Glu2108del (NM_001129830.3, NM_001167624.3); c.6298GAG[1], p.Glu2101del (NM_001129831.2); c.6274GAG[1], p.Glu2093del (NM_001129832.2); c.6271GAG[1], p.Glu2092del (NM_001129833.2, NM_001129834.2, NM_001129835.2); c.6265GAG[1], p.Glu2090del (NM_001129836.2); c.6238GAG[1], p.Glu2081del (NM_001129837.2, NM_001129838.2); and 6 more; short protein forms E2062del, E2070del, E2073del, E2079del, E2081del, E2090del, E2092del, E2093del.
Identifiers: ClinVar variation 3626154 (VCV003626154.2).